The following is an entry in ClinVar:

NM_000020.3(ACVRL1):c.866T>C (p.Leu289Pro)

Gene: ACVRL1 (activin A receptor like type 1; plus strand). Cytogenetic location: 12q13.13.
Variant type: single nucleotide variant.
Coding change: c.866T>C on transcript NM_000020.3 (MANE Select); coding-DNA position 866, T replaced by C.
Protein change: p.Leu289Pro; replaces leucine 289 with proline.
Molecular consequence: missense variant.
Genome position (GRCh38, 1-based): chr12:51,915,318, T>C. VCF-style: chr12-51915318-T-C. GRCh37 (hg19) VCF-style: chr12-52309102-T-C.
Other names: c.554T>C, p.Leu185Pro (NM_001406494.1, NM_001406490.1, NM_001406491.1 and 2 more transcripts); c.302T>C, p.Leu101Pro (NM_001406495.1); c.866T>C, p.Leu289Pro (NM_001077401.2, NM_001406487.1, NM_001406488.1 and 1 more transcripts); short protein forms L101P, L185P, L289P.
Identifiers: ClinVar variation 1764244 (VCV001764244.8), dbSNP rs2540164315, ClinGen allele CA384900608.
Genomic context (GRCh38, chr12:51,915,318, plus strand): 5'-CGAGCACGCAGCTGTGGCTCATCACGCACTACCACGAGCACGGCTCCCTCTACGACTTTC[T>C]GCAGAGACAGACGCTGGAGCCCCATCTGGCTCTGAGGCTAGCTGTGTCCGCGGCATGCGG-3'
Protein context (NP_000011.2, residues 279-299): YHEHGSLYDF[Leu289Pro]QRQTLEPHLA

ClinVar aggregate classification (germline): Pathogenic. Review status: criteria provided, multiple submitters, no conflicts (2 of 4 stars). 2 submissions from 2 submitters: Pathogenic (2). Last evaluated 2025-07-08.

Conditions:
Telangiectasia, hereditary hemorrhagic, type 2 (HHT2). Also called: ACVRL1-Related Hereditary Hemorrhagic Telangiectasia; Telangiectasia, hereditary hemorrhagic, type II. Identifiers: Orphanet 774, MedGen C1838163, MONDO:0010880, OMIM 600376. Disease mechanism: loss of function.
Cardiovascular phenotype. Identifiers: MedGen CN230736.

Submissions (2):

Ambry Genetics
Classification: Pathogenic for Cardiovascular phenotype. Last evaluated: 2025-07-08. Review status: criteria provided, single submitter. Criteria: Ambry Variant Classification Scheme 2023. Collection method: clinical testing. Allele origin: germline.
Comment: The p.L289P pathogenic mutation (also known as c.866T>C), located in coding exon 6 of the ACVRL1 gene, results from a T to C substitution at nucleotide position 866. The leucine at codon 289 is replaced by proline, an amino acid with similar properties. This variant has been reported to co-segregate with hereditary hemorrhagic telangiectasia (HHT) in at least three related individuals (Bossler AD et al. Hum. Mutat., 2006 Jul;27:667-75). Based on internal structural analysis, this variant is more disruptive than known pathogenic variants (Kerr G et al. Angiogenesis, 2015 Apr;18:209-17). This amino acid position is highly conserved in available vertebrate species. In addition, this alteration is predicted to be deleterious by in silico analysis. This variant was not reported in population-based cohorts in the Genome Aggregation Database (gnomAD). Based on the supporting evidence, this alteration is interpreted as a disease-causing mutation.

Labcorp Genetics (formerly Invitae), Labcorp
Classification: Pathogenic for Telangiectasia, hereditary hemorrhagic, type 2. Last evaluated: 2025-04-11. Review status: criteria provided, single submitter. Criteria: Invitae Variant Classification Sherloc (09022015). Collection method: clinical testing. Allele origin: germline.
Comment: This sequence change replaces leucine, which is neutral and non-polar, with proline, which is neutral and non-polar, at codon 289 of the ACVRL1 protein (p.Leu289Pro). This variant is not present in population databases (gnomAD no frequency). This missense change has been observed in individual(s) with hereditary hemorrhagic telangiectasia (PMID: 16752392, 32300199). ClinVar contains an entry for this variant (Variation ID: 1764244). Invitae Evidence Modeling of protein sequence and biophysical properties (such as structural, functional, and spatial information, amino acid conservation, physicochemical variation, residue mobility, and thermodynamic stability) indicates that this missense variant is expected to disrupt ACVRL1 protein function with a positive predictive value of 95%. For these reasons, this variant has been classified as Pathogenic.

Literature cited by the submitters: PubMed 16752392 (cited by Ambry Genetics and Labcorp Genetics (formerly Invitae), Labcorp); PubMed 25557927 (cited by Ambry Genetics); PubMed 32300199 (cited by Labcorp Genetics (formerly Invitae), Labcorp).